The following is an entry in ClinVar:

ClinVar aggregate classification (germline): Likely pathogenic (3 of 4 stars; one submission).

Conditions:
Glanzmann thrombasthenia. Also called: BLEEDING DISORDER, PLATELET-TYPE, 2; THROMBASTHENIA OF GLANZMANN AND NAEGELI; PLATELET GLYCOPROTEIN IIb-IIIa DEFICIENCY; Thrombasthenia; Glanzmann's thrombasthenia. Identifiers: Orphanet 849, MedGen C0040015, MONDO:0100326.

Submission:

ClinGen Platelet Disorders Variant Curation Expert Panel, ClinGen
Classification: Likely pathogenic for Glanzmann thrombasthenia. Last evaluated: 2024-06-06. Review status: reviewed by expert panel. Criteria: ClinGen Platelet ACMG Specifications v2-1. Collection method: curation. Allele origin: germline. Inheritance: Autosomal recessive inheritance.
Comment: The ITGB3 NM_000212.2:c.2302-1G>A splice variant alters the canonical splice acceptor located at the 3' end of intron 14/the 5' end of exon 15 (of 15 total exons). There are multiple possible implications of the loss of this splice acceptor: (1) No alternate splice acceptor is used and intron 14 is retained, leading to the inclusion of an additional 2501 bp and the introduction of a premature termination codon (within the intron). Although the resulting mRNA product would not be predicted to be susceptible to nonsense mediated decay, the resulting protein would be expected to be truncated, missing a portion of the cytoplasmic domain that is critical to protein function. (2) An alternate splice acceptor downstream is used, leading to exon 15 skipping (AA 768-788) and the production of a truncated protein missing a portion of the cytoplasmic domain. Given that the crucial cytoplasmic domain is expected to be affected by loss of the splice acceptor in both of these possible scenarios, this variant meets the criteria to apply PVS1_Strong. Additionally, multiple in silico splice tools predict this variant leads to loss of the splice acceptor (SpliceAI acceptor loss Δ score: 0.91 (1 bp downstream); MaxEntScan wild type acceptor score: 13.14, variant acceptor score: 4.39 (-66.59% change); NNSPLICE wild type acceptor score: 0.99, variant acceptor not predicted). This variant has been observed in homozygosity (PM3_supporting) in an individual suspected to have Glanzmann's thrombasthenia (GT) (Patient GT-21, PMID: 30792900), as well in heterozygosity in a family member suspected of Type III/Variant GT. However, sufficient information to confirm if the individual's phenotype (or the phenotype of their affected family member) was specific for GT was not provided. This variant is absent from gnomAD v4.0 (PM2_Supporting). In summary, this variant meets criteria to be classified as likely pathogenic for GT. GT-specific criteria applied: PVS1_strong, PM2_supporting, PM3_supporting.

NM_000212.3(ITGB3):c.2302-1G>A

Genes: EFCAB13-DT (EFCAB13 divergent transcript; minus strand), ITGB3 (integrin subunit beta 3; plus strand). Cytogenetic location: 17q21.32.
Variant type: single nucleotide variant.
Coding change: c.2302-1G>A on transcript NM_000212.3 (MANE Select); the canonical splice acceptor site of the intron before coding-DNA position 2302, G replaced by A.
Molecular consequence: splice acceptor variant.
Genome position (GRCh38, 1-based): chr17:47,310,138, G>A. VCF-style: chr17-47310138-G-A. GRCh37 (hg19) VCF-style: chr17-45387504-G-A.
Identifiers: ClinVar variation 1210204 (VCV001210204.2), dbSNP rs2143158065, ClinGen allele CA400034626.